The following is an entry in ClinVar:

ClinVar aggregate classification (germline): Uncertain significance (1 of 4 stars; one submission).

Submission:

Dasa
Classification: Uncertain significance. Last evaluated: 2025-02-03. Review status: criteria provided, single submitter. Criteria: DASA Assertion Criteria. Collection method: clinical testing. Allele origin: germline.
Comment: NM_001035.3(RYR2):c.7073C>T (p.Ser2358Phe) is a missense variant that results in the substitution of serine with phenylalanine. This variant is absent from population databases. Computational prediction algorithms are consistent with a benign effect. The currently available literature and clinical evidence are not sufficient to establish a definitive association between this variant and the reported condition. Therefore, this variant is classified as a variant of uncertain significance.

NM_001035.3(RYR2):c.7073C>T (p.Ser2358Phe)

Gene: RYR2 (ryanodine receptor 2; plus strand). Cytogenetic location: 1q43.
Variant type: single nucleotide variant.
Coding change: c.7073C>T on transcript NM_001035.3 (MANE Select); coding-DNA position 7073, C replaced by T.
Protein change: p.Ser2358Phe; replaces serine 2358 with phenylalanine.
Molecular consequence: missense variant.
Genome position (GRCh38, 1-based): chr1:237,639,159, C>T. VCF-style: chr1-237639159-C-T. GRCh37 (hg19) VCF-style: chr1-237802459-C-T.
Other names: short protein forms S2358F.
Identifiers: ClinVar variation 4881815 (VCV004881815.2).